The following is an entry in ClinVar:

NM_172240.3(POC1B):c.101-3T>G

Genes: POC1B (POC1 centriolar protein B; minus strand), POC1B-DUSP6 (POC1B-DUSP6 readthrough; minus strand). Cytogenetic location: 12q21.33.
Variant type: single nucleotide variant.
Coding change: c.101-3T>G on transcript NM_172240.3 (MANE Select); 3 bases into the intron before coding-DNA position 101, T replaced by G.
Molecular consequence: intron variant.
Genome position (GRCh38, 1-based): chr12:89,497,345, A>C on the plus strand (T>G on the coding strand, the complement: POC1B is on the minus strand). VCF-style: chr12-89497345-A-C. GRCh37 (hg19) VCF-style: chr12-89891122-A-C.
Other names: c.-26-3T>G (NM_001199777.2).
Identifiers: ClinVar variation 859795 (VCV000859795.12), dbSNP rs750116711, ClinGen allele CA6714607.

ClinVar aggregate classification (germline): Pathogenic/Likely pathogenic. Review status: criteria provided, multiple submitters, no conflicts (2 of 4 stars). 5 submissions from 5 submitters: Pathogenic (4); Likely pathogenic (1). Last evaluated 2025-12-09.

Conditions:
POC1B-related disorder. Also called: POC1B-related condition.
Cone-rod dystrophy 20 (CORD20). Identifiers: Orphanet 1872, MedGen C4014856, MONDO:0014427, OMIM 615973.

Allele frequency attached by ClinVar (database versions not stated): gnomAD 0.00002; TOPMed 0.00002; gnomAD exomes 0.00006; ExAC 0.00007.
gnomAD v4.1: 19 of 1,609,506 alleles (0.0012%); highest among the groups gnomAD compares: Admixed American, 0.032%; no homozygotes.

Submissions (5):

Labcorp Genetics (formerly Invitae), Labcorp
Classification: Pathogenic. Last evaluated: 2025-12-09. Review status: criteria provided, single submitter. Criteria: Invitae Variant Classification Sherloc (09022015). Collection method: clinical testing. Allele origin: germline.
Comment: This sequence change falls in intron 2 of the POC1B gene. It does not directly change the encoded amino acid sequence of the POC1B protein. It affects a nucleotide within the consensus splice site. This variant is present in population databases (rs750116711, gnomAD 0.06%). This variant has been observed in individual(s) with cone-rod dystrophy (PMID: 32244552; internal data). In at least one individual the data is consistent with being in trans (on the opposite chromosome) from a pathogenic variant. It has also been observed to segregate with disease in related individuals. ClinVar contains an entry for this variant (Variation ID: 859795). Variants that disrupt the consensus splice site are a relatively common cause of aberrant splicing (PMID: 17576681, 9536098). Studies have shown that this variant alters mRNA splicing and is expected to lead to the loss of protein expression (PMID: 32244552). For these reasons, this variant has been classified as Pathogenic.

3billion
Classification: Pathogenic for Cone-rod dystrophy 20. Last evaluated: 2025-07-07. Review status: criteria provided, single submitter. Criteria: ACMG Guidelines, 2015. Collection method: clinical testing. Allele origin: germline. Affected: yes.
Comment: The variant is observed at an extremely low frequency in the gnomAD v4.1.0 dataset (total allele frequency: 0.001%). Predicted Consequence/Location: Intron variant: previously reported to alter splicing (PMID: 32244552). Functional studies provide moderate evidence of the variant having a damaging effect on the gene or gene product (PMID: 32244552). Intron variant: previously reported to alter splicing (PMID: 32244552). Therefore, this variant is classified as Pathogenic according to the recommendation of ACMG/AMP guideline.

Fulgent Genetics
Classification: Likely pathogenic for Cone-rod dystrophy 20. Last evaluated: 2024-06-03. Review status: criteria provided, single submitter. Criteria: ACMG Guidelines, 2015. Collection method: clinical testing. Allele origin: germline.

Blueprint Genetics
Classification: Pathogenic for POC1B-related disorders. Last evaluated: 2022-01-31. Review status: criteria provided, single submitter. Criteria: ACMG Guidelines, 2015. Collection method: clinical testing. Allele origin: germline. Affected: yes. Observed: 3 variant alleles.

DBGen Ocular Genomics
Classification: Pathogenic for Cone-rod dystrophy 20. Last evaluated: 2021-05-25. Review status: criteria provided, single submitter. Criteria: ACMG Guidelines, 2015. Collection method: clinical testing. Allele origin: germline. Affected: yes. Observed: 2 variant alleles.

Literature cited by the submitters: PubMed 32244552 (cited by 3 submitters); PubMed 17576681 (cited by Labcorp Genetics (formerly Invitae), Labcorp); PubMed 9536098 (cited by Labcorp Genetics (formerly Invitae), Labcorp).